The following is an entry in ClinVar:

NM_006031.6(PCNT):c.7198C>T (p.Arg2400Cys)

Gene: PCNT (pericentrin; plus strand). Cytogenetic location: 21q22.3.
Variant type: single nucleotide variant.
Coding change: c.7198C>T on transcript NM_006031.6 (MANE Select); coding-DNA position 7198, C replaced by T.
Protein change: p.Arg2400Cys; replaces arginine 2400 with cysteine.
Molecular consequence: missense variant.
Genome position (GRCh38, 1-based): chr21:46,425,849, C>T. VCF-style: chr21-46425849-C-T. GRCh37 (hg19) VCF-style: chr21-47845763-C-T.
Other names: c.6844C>T, p.Arg2282Cys (NM_001315529.2); short protein forms R2400C, R2282C.
Identifiers: ClinVar variation 436214 (VCV000436214.9), dbSNP rs751297741, ClinGen allele CA10080568.

ClinVar aggregate classification (germline): Uncertain significance. Review status: criteria provided, multiple submitters, no conflicts (2 of 4 stars). 4 submissions from 4 submitters: Uncertain significance (3). 1 of the submissions does not count toward it. Last evaluated 2022-07-06.

Conditions:
PCNT-related disorder. Also called: PCNT-related condition.
Microcephalic osteodysplastic primordial dwarfism type II (MOPD2). Also called: MOPD II; OSTEODYSPLASTIC PRIMORDIAL DWARFISM, TYPE II; Microcephalic osteodysplastic primordial dwarfism with tooth abnormalities. Identifiers: Orphanet 2637, MedGen C0432246, MONDO:0008872, OMIM 210720.

Allele frequency attached by ClinVar (database versions not stated): ExAC 0.00003; gnomAD 0.00003 and 0.00004; gnomAD exomes 0.00003; TOPMed 0.00003; 1000 Genomes Project 30x 0.00031.
gnomAD v4.1: 180 of 1,613,634 alleles (0.011%); highest among the groups gnomAD compares: Non-Finnish European, 0.015%; no homozygotes.

Submissions (4):

Labcorp Genetics (formerly Invitae), Labcorp
Classification: Uncertain significance. Last evaluated: 2022-07-06. Review status: criteria provided, single submitter. Criteria: Invitae Variant Classification Sherloc (09022015). Collection method: clinical testing. Allele origin: germline.
Comment: This sequence change replaces arginine, which is basic and polar, with cysteine, which is neutral and slightly polar, at codon 2400 of the PCNT protein (p.Arg2400Cys). This variant is present in population databases (rs751297741, gnomAD 0.006%). This variant has not been reported in the literature in individuals affected with PCNT-related conditions. ClinVar contains an entry for this variant (Variation ID: 436214). Algorithms developed to predict the effect of missense changes on protein structure and function output the following: SIFT: "Tolerated"; PolyPhen-2: "Benign"; Align-GVGD: "Class C0". The cysteine amino acid residue is found in multiple mammalian species, which suggests that this missense change does not adversely affect protein function. In summary, the available evidence is currently insufficient to determine the role of this variant in disease. Therefore, it has been classified as a Variant of Uncertain Significance.

Fulgent Genetics
Classification: Uncertain significance for Microcephalic osteodysplastic primordial dwarfism type II. Last evaluated: 2018-10-31. Review status: criteria provided, single submitter. Criteria: ACMG Guidelines, 2015. Collection method: clinical testing. Allele origin: unknown.

Genetic Services Laboratory, University of Chicago
Classification: Uncertain significance. Last evaluated: 2016-05-05. Review status: criteria provided, single submitter. Criteria: ACMG Guidelines, 2015. Collection method: clinical testing. Allele origin: germline. Affected: no.

PreventionGenetics, part of Exact Sciences
Classification: Uncertain significance for PCNT-related condition. Last evaluated: 2024-08-09. Review status: no assertion criteria provided. Collection method: clinical testing. Allele origin: germline. Not counted in ClinVar's aggregate classification.
Comment: The PCNT c.7198C>T variant is predicted to result in the amino acid substitution p.Arg2400Cys. To our knowledge, this variant has not been reported in the literature. This variant is reported in 0.0065% of alleles in individuals of South Asian descent in gnomAD. At this time, the clinical significance of this variant is uncertain due to the absence of conclusive functional and genetic evidence.